The following is an entry in ClinVar:

ClinVar aggregate classification (germline): Likely pathogenic (1 of 4 stars; one submission).

Conditions:
Hereditary cancer-predisposing syndrome. Also called: Tumor predisposition; Hereditary neoplastic syndrome; Neoplastic Syndromes, Hereditary; Hereditary Cancer Syndrome. Identifiers: Orphanet 140162, MedGen C0027672, MeSH D009386, MONDO:0015356.

Submission:

Labcorp Genetics (formerly Invitae), Labcorp
Classification: Likely pathogenic for Hereditary cancer-predisposing syndrome. Last evaluated: 2022-02-19. Review status: criteria provided, single submitter. Criteria: Invitae Variant Classification Sherloc (09022015). Collection method: clinical testing. Allele origin: germline.
Comment: In summary, the currently available evidence indicates that the variant is pathogenic, but additional data are needed to prove that conclusively. Therefore, this variant has been classified as Likely Pathogenic. Algorithms developed to predict the effect of sequence changes on RNA splicing suggest that this variant may disrupt the consensus splice site. This variant has not been reported in the literature in individuals affected with RAD50-related conditions. This variant is not present in population databases (gnomAD no frequency). This sequence change affects a donor splice site in intron 19 of the RAD50 gene. It is expected to disrupt RNA splicing. Variants that disrupt the donor or acceptor splice site typically lead to a loss of protein function (PMID: 16199547), and loss-of-function variants in RAD50 are known to be pathogenic (PMID: 19409520).

Literature cited by the submitters: PubMed 16199547; PubMed 19409520.

NM_005732.4(RAD50):c.3036+1G>A

Gene: RAD50 (RAD50 double strand break repair protein; plus strand). Cytogenetic location: 5q31.1.
Variant type: single nucleotide variant.
Coding change: c.3036+1G>A on transcript NM_005732.4 (MANE Select); the canonical splice donor site of the intron after coding-DNA position 3036, G replaced by A.
Molecular consequence: splice donor variant.
Genome position (GRCh38, 1-based): chr5:132,609,397, G>A. VCF-style: chr5-132609397-G-A. GRCh37 (hg19) VCF-style: chr5-131945089-G-A.
Identifiers: ClinVar variation 1494337 (VCV001494337.6), dbSNP rs1561647611, ClinGen allele CA360961134.